The following is an entry in ClinVar:

ClinVar aggregate classification (germline): Likely benign. Review status: criteria provided, multiple submitters, no conflicts (2 of 4 stars). 6 submissions from 6 submitters: Likely benign (5). 1 of the submissions does not count toward it. Last evaluated 2026-01-14.

Conditions:
Inborn genetic diseases. Identifiers: MedGen C0950123, MeSH D030342.
ACADVL-related disorder. Also called: ACADVL-related condition.
Very long chain acyl-CoA dehydrogenase deficiency (ACADVLD). Also called: VLCAD Deficiency; Very Long-Chain Acyl-Coenzyme A Dehydrogenase Deficiency. Identifiers: Orphanet 26793, MedGen C3887523, MONDO:0008723, OMIM 201475.

Allele frequency attached by ClinVar (database versions not stated): gnomAD exomes 0.00003 and 0.00007; ExAC 0.00011; gnomAD 0.00014 and 0.00015; TOPMed 0.00029; 1000 Genomes Project 30x 0.00031; 1000 Genomes Project 0.00040; ESP Exome Variant Server 0.00062.
gnomAD v4.1: 66 of 1,614,130 alleles (0.0041%); highest among the groups gnomAD compares: African/African-American, 0.072%; no homozygotes.

Submissions (6):

Labcorp Genetics (formerly Invitae), Labcorp
Classification: Likely benign for Very long chain acyl-CoA dehydrogenase deficiency. Last evaluated: 2026-01-14. Review status: criteria provided, single submitter. Criteria: Invitae Variant Classification Sherloc (09022015). Collection method: clinical testing. Allele origin: germline.

Ambry Genetics
Classification: Likely benign for Inborn genetic diseases. Last evaluated: 2025-11-10. Review status: criteria provided, single submitter. Criteria: Ambry Variant Classification Scheme 2023. Collection method: clinical testing. Allele origin: germline.

Blueprint Genetics
Classification: Likely benign. Last evaluated: 2024-09-23. Review status: criteria provided, single submitter. Criteria: ACMG Guidelines, 2015. Collection method: clinical testing. Allele origin: germline.

GeneDx
Classification: Likely benign. Last evaluated: 2016-05-09. Review status: criteria provided, single submitter. Criteria: GeneDx Variant Classification (06012015). Collection method: clinical testing. Allele origin: germline. Affected: yes.
Comment: This variant is considered likely benign or benign based on one or more of the following criteria: it is a conservative change, it occurs at a poorly conserved position in the protein, it is predicted to be benign by multiple in silico algorithms, and/or has population frequency not consistent with disease.

Breakthrough Genomics
Classification: Likely benign. Review status: criteria provided, single submitter. Criteria: ACMG Guidelines, 2015. Collection method: not provided. Allele origin: germline. Inheritance: Autosomal recessive inheritance. Affected: yes.

PreventionGenetics, part of Exact Sciences
Classification: Likely benign for ACADVL-related condition. Last evaluated: 2021-11-18. Review status: no assertion criteria provided. Collection method: clinical testing. Allele origin: germline. Not counted in ClinVar's aggregate classification.
Comment: This variant is classified as likely benign based on ACMG/AMP sequence variant interpretation guidelines (Richards et al. 2015 PMID: 25741868, with internal and published modifications).

NM_000018.4(ACADVL):c.759G>A (p.Gly253=)

Gene: ACADVL (acyl-CoA dehydrogenase very long chain; plus strand). Cytogenetic location: 17p13.1.
Variant type: single nucleotide variant.
Coding change: c.759G>A on transcript NM_000018.4 (MANE Select); coding-DNA position 759, G replaced by A.
Protein change: p.Gly253=; no amino-acid change (glycine 253 retained).
Molecular consequence: synonymous variant.
Genome position (GRCh38, 1-based): chr17:7,222,183, G>A. VCF-style: chr17-7222183-G-A. GRCh37 (hg19) VCF-style: chr17-7125502-G-A.
Other names: c.693G>A, p.Gly231= (NM_001033859.3); c.828G>A, p.Gly276= (NM_001270447.2); c.531G>A, p.Gly177= (NM_001270448.2).
Identifiers: ClinVar variation 385582 (VCV000385582.17), dbSNP rs148073142, ClinGen allele CA8337847.
Genomic context (GRCh38, chr17:7,222,183, plus strand): 5'-CCAGGCCCCACTGCTCCCCGTCCTCCACGCCCTGAATATCCCATTCTTCCACAGTAATGG[G>A]GGCCTAGCAGACATCTTCACGGTCTTTGCCAAGACACCAGTTACAGATCCAGCCACAGGA-3'
Protein context (NP_000009.1, residues 243-263): LNGSKLWISN[Gly253=]GLADIFTVFA